The following is an entry in ClinVar:

ClinVar aggregate classification (germline): Pathogenic/Likely pathogenic. Review status: criteria provided, multiple submitters, no conflicts (2 of 4 stars). 5 submissions from 5 submitters: Pathogenic (3); Likely pathogenic (2). Last evaluated 2024-04-29.

Conditions:
Neurofibromatosis, type 1 (NF1). Also called: NEUROFIBROMATOSIS, TYPE I, SOMATIC; Peripheral type neurofibromatosis; Neurofibromatosis, type I; VON RECKLINGHAUSEN DISEASE. Identifiers: Orphanet 636, MedGen C0027831, MONDO:0018975, OMIM 162200. Disease mechanism: loss of function.
NF1-related disorder. Also called: NF1-related condition. Identifiers: MedGen CN379171.

Submissions (5):

Labcorp Genetics (formerly Invitae), Labcorp
Classification: Pathogenic for Neurofibromatosis, type 1. Last evaluated: 2024-04-29. Review status: criteria provided, single submitter. Criteria: Invitae Variant Classification Sherloc (09022015). Collection method: clinical testing. Allele origin: germline.
Comment: This sequence change creates a premature translational stop signal (p.Cys721*) in the NF1 gene. It is expected to result in an absent or disrupted protein product. Loss-of-function variants in NF1 are known to be pathogenic (PMID: 10712197, 23913538). This variant is not present in population databases (gnomAD no frequency). This variant has not been reported in the literature in individuals affected with NF1-related conditions. ClinVar contains an entry for this variant (Variation ID: 488882). For these reasons, this variant has been classified as Pathogenic.

Blueprint Genetics
Classification: Likely pathogenic for NF1-related disorders. Last evaluated: 2022-09-22. Review status: criteria provided, single submitter. Criteria: ACMG Guidelines, 2015. Collection method: clinical testing. Allele origin: germline. Affected: yes. Observed: 1 variant allele.

Genome-Nilou Lab
Classification: Pathogenic for Neurofibromatosis, type 1. Last evaluated: 2022-03-15. Review status: criteria provided, single submitter. Criteria: ACMG Guidelines, 2015. Collection method: clinical testing. Allele origin: germline. Affected: no.

GeneDx
Classification: Pathogenic. Last evaluated: 2017-09-14. Review status: criteria provided, single submitter. Criteria: GeneDx Variant Classification (06012015). Collection method: clinical testing. Allele origin: germline. Affected: yes.
Comment: The C721X nonsense variant in the NF1 gene is predicted to cause loss of normal protein function either through protein truncation or nonsense-mediated mRNA decay. The C721X variant is not observed in large population cohorts (Lek et al., 2016; 1000 Genomes Consortium et al., 2015; Exome Variant Server). Although this pathogenic variant has not been reported previously to our knowledge, its presence is consistent with a diagnosis of NF1

Center for Human Genetics, Inc
Classification: Likely pathogenic for Neurofibromatosis, type 1. Last evaluated: 2016-11-01. Review status: criteria provided, single submitter. Criteria: ACMG Guidelines, 2015. Collection method: clinical testing. Allele origin: germline. Affected: yes.

Literature cited by the submitters: PubMed 10712197 (cited by Labcorp Genetics (formerly Invitae), Labcorp); PubMed 23913538 (cited by Labcorp Genetics (formerly Invitae), Labcorp).

NM_001042492.3(NF1):c.2163T>A (p.Cys721Ter)

Gene: NF1 (neurofibromin 1; plus strand). Cytogenetic location: 17q11.2.
Variant type: single nucleotide variant.
Coding change: c.2163T>A on transcript NM_001042492.3 (MANE Select); coding-DNA position 2163, T replaced by A.
Protein change: p.Cys721Ter; replaces cysteine 721 with a stop codon.
Molecular consequence: nonsense.
Genome position (GRCh38, 1-based): chr17:31,226,596, T>A. VCF-style: chr17-31226596-T-A. GRCh37 (hg19) VCF-style: chr17-29553614-T-A.
Other names: c.2163T>A, p.Cys721Ter (NM_000267.4); short protein forms C721*.
Identifiers: ClinVar variation 488882 (VCV000488882.6), dbSNP rs1555613816, ClinGen allele CA398982396.
Genomic context (GRCh38, chr17:31,226,596, plus strand): 5'-AGCTGTTCTGGTTGCCATGTCCTGTTTCCGCCACCTCTGTGAGGAAGCAGATATCCGGTG[T>A]GGGGTGGATGAAGTGTCAGTGCATAACCTCTTGCCCAACTATAACACATTCATGGAGTTT-3'